The following is an entry in ClinVar:

ClinVar aggregate classification (germline): Likely benign. Review status: criteria provided, multiple submitters, no conflicts (2 of 4 stars). 2 submissions from 2 submitters: Likely benign (2). Last evaluated 2026-01-01.

gnomAD v4.1: 34 of 1,610,820 alleles (0.0021%); highest among the groups gnomAD compares: Middle Eastern, 0.016%; no homozygotes.

Submissions (2):

CeGaT Center for Human Genetics Tuebingen
Classification: Likely benign. Last evaluated: 2026-01-01. Review status: criteria provided, single submitter. Criteria: CeGaT Center For Human Genetics Tuebingen Variant Classification Criteria Version 2. Collection method: clinical testing. Allele origin: germline. Affected: yes. Observed: 1 variant allele.
Comment: SOX10: BP4, BP7

Blueprint Genetics
Classification: Likely benign. Last evaluated: 2021-10-27. Review status: criteria provided, single submitter. Criteria: ACMG Guidelines, 2015. Collection method: clinical testing. Allele origin: germline.

NM_006941.4(SOX10):c.948C>T (p.Ala316=)

Genes: POLR2F (RNA polymerase II, I and III subunit F; plus strand), SOX10 (SRY-box transcription factor 10; minus strand). Cytogenetic location: 22q13.1.
Variant type: single nucleotide variant.
Coding change: c.948C>T on transcript NM_006941.4 (MANE Select); coding-DNA position 948, C replaced by T.
Protein change: p.Ala316=; no amino-acid change (alanine 316 retained).
Molecular consequence: synonymous variant. On other transcripts: intron variant (3).
Genome position (GRCh38, 1-based): chr22:37,973,948, G>A on the plus strand (C>T on the coding strand, the complement: SOX10 is on the minus strand). VCF-style: chr22-37973948-G-A. GRCh37 (hg19) VCF-style: chr22-38369955-G-A.
Other names: c.*38+1638G>A (NM_001363825.1); c.293+6778G>A (NM_001301130.2, NM_001301131.2).
Identifiers: ClinVar variation 4821058 (VCV004821058.5).